The following is an entry in ClinVar:

NM_000059.4(BRCA2):c.3235dup (p.Ser1079fs)

Gene: BRCA2 (BRCA2 DNA repair associated; plus strand). Cytogenetic location: 13q13.1.
Variant type: Duplication.
Coding change: c.3235dup on transcript NM_000059.4 (MANE Select); coding-DNA position 3235, one base duplicated (T; older notation c.3235dupT).
Protein change: p.Ser1079fs; shifts the reading frame from serine 1079.
Molecular consequence: frameshift variant.
Genome position (GRCh38, 1-based): chr13:32,337,590, T duplicated; the last of 3 consecutive T bases (chr13:32,337,588-32,337,590); duplicating any one gives the same sequence. VCF-style (leftmost placement, unchanged base first): chr13-32337587-G-GT. GRCh37 (hg19) VCF-style: chr13-32911724-G-GT.
Other names: c.3235dupT (NM_000059.3); short protein forms S1079fs.
Identifiers: ClinVar variation 619635 (VCV000619635.3), dbSNP rs397507660, ClinGen allele CA913190907.

ClinVar aggregate classification (germline): Pathogenic. Review status: criteria provided, multiple submitters, no conflicts (2 of 4 stars). 2 submissions from 2 submitters: Pathogenic (2). Last evaluated 2025-09-15.

Conditions:
Hereditary cancer-predisposing syndrome. Also called: Neoplastic Syndromes, Hereditary; Hereditary neoplastic syndrome; Tumor predisposition; Hereditary Cancer Syndrome. Identifiers: Orphanet 140162, MedGen C0027672, MeSH D009386, MONDO:0015356.

Submissions (2):

Ambry Genetics
Classification: Pathogenic for Hereditary cancer-predisposing syndrome. Last evaluated: 2025-09-15. Review status: criteria provided, single submitter. Criteria: Ambry Variant Classification Scheme 2023. Collection method: clinical testing. Allele origin: germline.
Comment: The c.3235dupT pathogenic mutation, located in coding exon 10 of the BRCA2 gene, results from a duplication of T at nucleotide position 3235, causing a translational frameshift with a predicted alternate stop codon (p.S1079Ffs*2). This variant is considered to be rare based on population cohorts in the Genome Aggregation Database (gnomAD). This alteration is expected to result in loss of function by premature protein truncation or nonsense-mediated mRNA decay. As such, this alteration is interpreted as a disease-causing mutation.

Quest Diagnostics Nichols Institute San Juan Capistrano
Classification: Pathogenic. Last evaluated: 2018-05-04. Review status: criteria provided, single submitter. Criteria: Quest Diagnostics criteria. Collection method: clinical testing. Allele origin: germline.